The following is an entry in ClinVar:

NM_172107.4(KCNQ2):c.1302-275_1302-274insT

Gene: KCNQ2 (potassium voltage-gated channel subfamily Q member 2; minus strand). Cytogenetic location: 20q13.33.
Variant type: Insertion.
Coding change: c.1302-275_1302-274insT on transcript NM_172107.4 (MANE Select); 275 bases into the intron before coding-DNA position 1302 through 274 bases into the intron before coding-DNA position 1302, T inserted.
Molecular consequence: intron variant.
Genome position: GRCh38 VCF-style: chr20-63415400-G-GA. GRCh37 (hg19) VCF-style: chr20-62046753-G-GA.
Other names: c.1218-275_1218-274insT (NM_004518.6); c.1248-311_1248-310insT (NM_172108.5); c.1248-275_1248-274insT (NM_172106.3).
Identifiers: ClinVar variation 683728 (VCV000683728.1), dbSNP rs541733900, ClinGen allele CA317431671.

ClinVar aggregate classification (germline): Benign (1 of 4 stars; one submission).

Allele frequency attached by ClinVar (database versions not stated): gnomAD 0.06404 and 0.06415; 1000 Genomes Project 0.32728.

Submission:

GeneDx
Classification: Benign. Last evaluated: 2018-06-19. Review status: criteria provided, single submitter. Criteria: GeneDx Variant Classification (06012015). Collection method: clinical testing. Allele origin: germline. Affected: yes.
Comment: This variant is considered likely benign or benign based on one or more of the following criteria: it is a conservative change, it occurs at a poorly conserved position in the protein, it is predicted to be benign by multiple in silico algorithms, and/or has population frequency not consistent with disease.